The following is an entry in ClinVar:

ClinVar aggregate classification (germline): Uncertain significance. Review status: criteria provided, multiple submitters, no conflicts (2 of 4 stars). 2 submissions from 2 submitters: Uncertain significance (2). Last evaluated 2025-12-16.

Conditions:
Glomerulopathy with fibronectin deposits 2 (GFND2). Identifiers: Orphanet 84090, MedGen C1866075, MONDO:0011165, OMIM 601894.
Spondylometaphyseal dysplasia - Sutcliffe type. Also called: Spondylometaphyseal dysplasia, 'corner fracture' type; Spondylometaphyseal Dysplasia, Corner Fracture Type; Sutcliffe type of spondylometaphyseal dysplasia; Sutcliffe SMD. Identifiers: Orphanet 93315, MedGen C0432221, MONDO:0008479, OMIM 184255.

Allele frequency attached by ClinVar (database versions not stated): gnomAD exomes 0.00004; TOPMed 0.00004; gnomAD 0.00007; 1000 Genomes Project 30x 0.00016; 1000 Genomes Project 0.00020.
gnomAD v4.1: 68 of 1,614,144 alleles (0.0042%); highest among the groups gnomAD compares: East Asian, 0.018%; no homozygotes.

Submissions (2):

Labcorp Genetics (formerly Invitae), Labcorp
Classification: Uncertain significance. Last evaluated: 2025-12-16. Review status: criteria provided, single submitter. Criteria: Invitae Variant Classification Sherloc (09022015). Collection method: clinical testing. Allele origin: germline.
Comment: This sequence change replaces valine, which is neutral and non-polar, with isoleucine, which is neutral and non-polar, at codon 1139 of the FN1 protein (p.Val1139Ile). This variant is present in population databases (rs201181695, gnomAD 0.01%). This missense change has been observed in individual(s) with FN1-related conditions (PMID: 36774238). ClinVar contains an entry for this variant (Variation ID: 1369716). An algorithm developed to predict the effect of missense changes on protein structure and function (PolyPhen-2) suggests that this variant is likely to be tolerated. Experimental studies have shown that this missense change affects FN1 function (PMID: 36774238). In summary, the available evidence is currently insufficient to determine the role of this variant in disease. Therefore, it has been classified as a Variant of Uncertain Significance.

Fulgent Genetics
Classification: Uncertain significance for Spondylometaphyseal dysplasia - Sutcliffe type; Glomerulopathy with fibronectin deposits 2. Last evaluated: 2024-04-17. Review status: criteria provided, single submitter. Criteria: ACMG Guidelines, 2015. Collection method: clinical testing. Allele origin: germline.

Literature cited by the submitters: PubMed 36774238 (cited by Labcorp Genetics (formerly Invitae), Labcorp).

NM_212482.4(FN1):c.3415G>A (p.Val1139Ile)

Gene: FN1 (fibronectin 1; minus strand). Cytogenetic location: 2q35.
Variant type: single nucleotide variant.
Coding change: c.3415G>A on transcript NM_212482.4 (MANE Select); coding-DNA position 3415, G replaced by A.
Protein change: p.Val1139Ile; replaces valine 1139 with isoleucine.
Molecular consequence: missense variant.
Genome position (GRCh38, 1-based): chr2:215,397,782, C>T on the plus strand (G>A on the coding strand, the complement: FN1 is on the minus strand). VCF-style: chr2-215397782-C-T. GRCh37 (hg19) VCF-style: chr2-216262505-C-T.
Other names: c.3415G>A, p.Val1139Ile (NM_001306129.2, NM_001306130.2, NM_001306131.2 and 13 more transcripts); short protein forms V1139I.
Identifiers: ClinVar variation 1369716 (VCV001369716.10), dbSNP rs201181695, ClinGen allele CA64867303.